The following is an entry in ClinVar:

ClinVar aggregate classification (germline): Uncertain significance. Review status: criteria provided, single submitter (1 of 4 stars). 2 submissions from 2 submitters: Uncertain significance (1). 1 of the submissions does not count toward it. Last evaluated 2017-02-23.

Conditions:
SLC10A1-related disorder. Also called: SLC10A1-related condition.

Allele frequency attached by ClinVar (database versions not stated): gnomAD exomes 0.00018; ExAC 0.00019; TOPMed 0.00051; gnomAD 0.00061 and 0.00062; 1000 Genomes Project 0.00160; 1000 Genomes Project 30x 0.00203.
gnomAD v4.1: 249 of 1,613,314 alleles (0.015%); highest among the groups gnomAD compares: African/African-American, 0.18%; no homozygotes.

Submissions (2):

Eurofins Ntd Llc (ga)
Classification: Uncertain significance. Last evaluated: 2017-02-23. Review status: criteria provided, single submitter. Criteria: EGL Classification Definitions 2015. Collection method: clinical testing. Allele origin: germline. Observed: 1 variant allele, 1 heterozygote.

PreventionGenetics, part of Exact Sciences
Classification: Likely benign for SLC10A1-related condition. Last evaluated: 2022-02-09. Review status: no assertion criteria provided. Collection method: clinical testing. Allele origin: germline. Not counted in ClinVar's aggregate classification.
Comment: This variant is classified as likely benign based on ACMG/AMP sequence variant interpretation guidelines (Richards et al. 2015 PMID: 25741868, with internal and published modifications).

NM_003049.4(SLC10A1):c.957G>A (p.Met319Ile)

Gene: SLC10A1 (solute carrier family 10 member 1; minus strand). Cytogenetic location: 14q24.1.
Variant type: single nucleotide variant.
Coding change: c.957G>A on transcript NM_003049.4 (MANE Select); coding-DNA position 957, G replaced by A.
Protein change: p.Met319Ile; replaces methionine 319 with isoleucine.
Molecular consequence: missense variant.
Genome position (GRCh38, 1-based): chr14:69,776,375, C>T on the plus strand (G>A on the coding strand, the complement: SLC10A1 is on the minus strand). VCF-style: chr14-69776375-C-T. GRCh37 (hg19) VCF-style: chr14-70243092-C-T.
Other names: c.957G>A (NM_003049.3); short protein forms M319I.
Identifiers: ClinVar variation 500558 (VCV000500558.7), dbSNP rs149272163, ClinGen allele CA7245885.